The following is an entry in ClinVar:

ClinVar aggregate classification (germline): Uncertain significance (1 of 4 stars; one submission).

Conditions:
Jeune thoracic dystrophy. Also called: Jeune syndrome; Short-rib thoracic dysplasia; Infantile thoracic dystrophy; Thoracic pelvic phalangeal dystrophy; Jeune's syndrome; Chondroectodermal dysplasia-like syndrome. Identifiers: Orphanet 474, MedGen C0265275, MONDO:0018770.

gnomAD v4.1: 3 of 1,610,718 alleles (0.00019%); highest among the groups gnomAD compares: Non-Finnish European, 0.00025%; no homozygotes.

Submission:

Labcorp Genetics (formerly Invitae), Labcorp
Classification: Uncertain significance for Jeune thoracic dystrophy. Last evaluated: 2024-03-06. Review status: criteria provided, single submitter. Criteria: Invitae Variant Classification Sherloc (09022015). Collection method: clinical testing. Allele origin: germline.
Comment: This sequence change replaces cysteine, which is neutral and slightly polar, with arginine, which is basic and polar, at codon 2497 of the DYNC2H1 protein (p.Cys2497Arg). This variant is not present in population databases (gnomAD no frequency). This variant has not been reported in the literature in individuals affected with DYNC2H1-related conditions. Advanced modeling of protein sequence and biophysical properties (such as structural, functional, and spatial information, amino acid conservation, physicochemical variation, residue mobility, and thermodynamic stability) performed at Invitae indicates that this missense variant is not expected to disrupt DYNC2H1 protein function with a negative predictive value of 95%. In summary, the available evidence is currently insufficient to determine the role of this variant in disease. Therefore, it has been classified as a Variant of Uncertain Significance.

NM_001377.3(DYNC2H1):c.7489T>C (p.Cys2497Arg)

Gene: DYNC2H1 (dynein cytoplasmic 2 heavy chain 1; plus strand). Cytogenetic location: 11q22.3.
Variant type: single nucleotide variant.
Coding change: c.7489T>C on transcript NM_001377.3 (MANE Select); coding-DNA position 7489, T replaced by C.
Protein change: p.Cys2497Arg; replaces cysteine 2497 with arginine.
Molecular consequence: missense variant.
Genome position (GRCh38, 1-based): chr11:103,191,568, T>C. VCF-style: chr11-103191568-T-C. GRCh37 (hg19) VCF-style: chr11-103062297-T-C.
Other names: c.7489T>C, p.Cys2497Arg (NM_001080463.2); short protein forms C2497R.
Identifiers: ClinVar variation 3634279 (VCV003634279.2).